The following is an entry in ClinVar:

ClinVar aggregate classification (germline): Uncertain significance (1 of 4 stars; one submission).

Conditions:
Angelman syndrome (AS). Also called: HAPPY PUPPET SYNDROME. Identifiers: Orphanet 72, MedGen C0162635, MONDO:0007113, OMIM 105830. Disease mechanism: loss of function. Inheritance: AS is caused by disruption of maternally imprinted UBE3A located within the 15q11.2-q13 Angelman syndrome/Prader-Willi syndrome (AS/PWS) region., imprinting disorder.

Submission:

Labcorp Genetics (formerly Invitae), Labcorp
Classification: Uncertain significance for Angelman syndrome. Last evaluated: 2023-03-19. Review status: criteria provided, single submitter. Criteria: Invitae Variant Classification Sherloc (09022015). Collection method: clinical testing. Allele origin: germline.
Comment: This variant has not been reported in the literature in individuals affected with UBE3A-related conditions. Advanced modeling of protein sequence and biophysical properties (such as structural, functional, and spatial information, amino acid conservation, physicochemical variation, residue mobility, and thermodynamic stability) performed at Invitae indicates that this missense variant is expected to disrupt UBE3A protein function. In summary, the available evidence is currently insufficient to determine the role of this variant in disease. Therefore, it has been classified as a Variant of Uncertain Significance. This variant is not present in population databases (gnomAD no frequency). This sequence change replaces phenylalanine, which is neutral and non-polar, with serine, which is neutral and polar, at codon 134 of the UBE3A protein (p.Phe134Ser).

NM_130839.5(UBE3A):c.461T>C (p.Phe154Ser)

Genes: SNHG14 (small nucleolar RNA host gene 14; plus strand), UBE3A (ubiquitin protein ligase E3A; minus strand). Cytogenetic location: 15q11.2.
Variant type: single nucleotide variant.
Coding change: c.461T>C on transcript NM_130839.5 (MANE Select); coding-DNA position 461, T replaced by C.
Protein change: p.Phe154Ser; replaces phenylalanine 154 with serine.
Molecular consequence: missense variant. On other transcripts: non-coding transcript variant (1), intron variant (2).
Genome position (GRCh38, 1-based): chr15:25,371,713, A>G on the plus strand (T>C on the coding strand, the complement: UBE3A is on the minus strand). VCF-style: chr15-25371713-A-G. GRCh37 (hg19) VCF-style: chr15-25616860-A-G.
Other names: c.470T>C, p.Phe157Ser (NM_000462.5); c.461T>C, p.Phe154Ser (NM_001354505.1, NM_001354538.2, NM_001354545.2); c.401T>C, p.Phe134Ser (NM_001354506.2, NM_001354507.2, NM_001354508.2 and 17 more transcripts); c.284T>C, p.Phe95Ser (NM_001354546.2); c.301+3752T>C (NM_001354551.2); c.361+3752T>C (NM_001354550.2); short protein forms F134S, F157S, F95S, F154S.
Identifiers: ClinVar variation 2918138 (VCV002918138.3), dbSNP rs2552191815, ClinGen allele CA391355809.